The following is an entry in ClinVar:

ClinVar aggregate classification (germline): Likely benign. Review status: criteria provided, single submitter (1 of 4 stars). 2 submissions from 2 submitters: Likely benign (1). 1 of the submissions does not count toward it. Last evaluated 2025-06-17.

Conditions:
NAA15-related disorder.

Allele frequency attached by ClinVar (database versions not stated): ESP Exome Variant Server 0.00009; gnomAD 0.00021; TOPMed 0.00022.
gnomAD v4.1: 616 of 1,591,992 alleles (0.039%); highest among the groups gnomAD compares: Non-Finnish European, 0.048%; no homozygotes.

Submissions (2):

Labcorp Genetics (formerly Invitae), Labcorp
Classification: Likely benign. Last evaluated: 2025-06-17. Review status: criteria provided, single submitter. Criteria: Invitae Variant Classification Sherloc (09022015). Collection method: clinical testing. Allele origin: germline.

PreventionGenetics, part of Exact Sciences
Classification: Likely benign for NAA15-related condition. Last evaluated: 2019-03-04. Review status: no assertion criteria provided. Collection method: clinical testing. Allele origin: germline. Not counted in ClinVar's aggregate classification.
Comment: This variant is classified as likely benign based on ACMG/AMP sequence variant interpretation guidelines (Richards et al. 2015 PMID: 25741868, with internal and published modifications).

NM_057175.5(NAA15):c.918T>C (p.Phe306=)

Gene: NAA15 (N-alpha-acetyltransferase 15, NatA auxiliary subunit; plus strand). Cytogenetic location: 4q31.1.
Variant type: single nucleotide variant.
Coding change: c.918T>C on transcript NM_057175.5 (MANE Select); coding-DNA position 918, T replaced by C.
Protein change: p.Phe306=; no amino-acid change (phenylalanine 306 retained).
Molecular consequence: synonymous variant.
Genome position (GRCh38, 1-based): chr4:139,351,515, T>C. VCF-style: chr4-139351515-T-C. GRCh37 (hg19) VCF-style: chr4-140272669-T-C.
Other names: c.918T>C, p.Phe306= (NM_001410842.1, NM_025085.2); c.918T>C (NM_057175.3).
Identifiers: ClinVar variation 2069236 (VCV002069236.6), dbSNP rs373488592, ClinGen allele CA3083516.